The following is an entry in ClinVar:

NM_001111067.4(ACVR1):c.50C>G (p.Pro17Arg)

Gene: ACVR1 (activin A receptor type 1; minus strand). Cytogenetic location: 2q24.1.
Variant type: single nucleotide variant.
Coding change: c.50C>G on transcript NM_001111067.4 (MANE Select); coding-DNA position 50, C replaced by G.
Protein change: p.Pro17Arg; replaces proline 17 with arginine.
Molecular consequence: missense variant.
Genome position (GRCh38, 1-based): chr2:157,799,444, G>C on the plus strand (C>G on the coding strand, the complement: ACVR1 is on the minus strand). VCF-style: chr2-157799444-G-C. GRCh37 (hg19) VCF-style: chr2-158655956-G-C.
Other names: c.50C>G, p.Pro17Arg (NM_001347667.2, NM_001347665.1, NM_001347666.1 and 3 more transcripts); short protein forms P17R.
Identifiers: ClinVar variation 3652290 (VCV003652290.2).

ClinVar aggregate classification (germline): Uncertain significance (1 of 4 stars; one submission).

gnomAD v4.1: 3 of 1,612,150 alleles (0.00019%); highest among the groups gnomAD compares: Non-Finnish European, 0.00025%; no homozygotes.

Submission:

Labcorp Genetics (formerly Invitae), Labcorp
Classification: Uncertain significance. Last evaluated: 2025-01-18. Review status: criteria provided, single submitter. Criteria: Invitae Variant Classification Sherloc (09022015). Collection method: clinical testing. Allele origin: germline.
Comment: This sequence change replaces proline, which is neutral and non-polar, with arginine, which is basic and polar, at codon 17 of the ACVR1 protein (p.Pro17Arg). This variant is not present in population databases (gnomAD no frequency). This variant has not been reported in the literature in individuals affected with ACVR1-related conditions. An algorithm developed to predict the effect of missense changes on protein structure and function (PolyPhen-2) suggests that this variant is likely to be tolerated. In summary, the available evidence is currently insufficient to determine the role of this variant in disease. Therefore, it has been classified as a Variant of Uncertain Significance.